The following is an entry in ClinVar:

ClinVar aggregate classification (germline): Benign/Likely benign. Review status: criteria provided, multiple submitters, no conflicts (2 of 4 stars). 9 submissions from 9 submitters: Benign (3); Likely benign (5). 1 of the submissions does not count toward it. Last evaluated 2025-11-21.

Conditions:
Connective tissue disorder. Also called: Connective tissue disease. Identifiers: MedGen C0009782, MONDO:0003900.
Familial thoracic aortic aneurysm and aortic dissection (TAAD). Also called: Thoracic aortic aneurysms and dissections. Identifiers: Orphanet 91387, MedGen C4707243, MONDO:0019625.
Marfan syndrome (MFS). Also called: Marfan syndrome, classic; Marfan syndrome type 1; Marfan's syndrome; FBN1-Related Marfan Syndrome; MARFAN SYNDROME, TYPE I. Identifiers: Orphanet 284963, Orphanet 558, MedGen C0024796, MONDO:0007947, OMIM 154700.
FBN1-related disorder. Also called: FBN1-related disorders.

Allele frequency attached by ClinVar (database versions not stated): gnomAD 0.00005 and 0.00003; 1000 Genomes Project 0.00040; ExAC 0.00013; TOPMed 0.00006; 1000 Genomes Project 30x 0.00031; gnomAD exomes 0.00011.
gnomAD v4.1: 83 of 1,614,206 alleles (0.0051%); highest among the groups gnomAD compares: East Asian, 0.18%; no homozygotes.

Submissions (9):

Labcorp Genetics (formerly Invitae), Labcorp
Classification: Benign for Marfan syndrome; Familial thoracic aortic aneurysm and aortic dissection. Last evaluated: 2025-11-21. Review status: criteria provided, single submitter. Criteria: Invitae Variant Classification Sherloc (09022015). Collection method: clinical testing. Allele origin: germline.

Blueprint Genetics
Classification: Likely benign. Last evaluated: 2024-10-11. Review status: criteria provided, single submitter. Criteria: ACMG Guidelines, 2015. Collection method: clinical testing. Allele origin: germline.

All of Us Research Program, National Institutes of Health
Classification: Benign for Marfan syndrome. Last evaluated: 2024-01-11. Review status: criteria provided, single submitter. Criteria: ACMG Guidelines, 2015. Collection method: clinical testing. Allele origin: germline. Inheritance: Autosomal dominant inheritance. Observed: 7 variant alleles, 7 heterozygotes.
Comment: This study involves interpretation of variants in research participants for the purpose of population health screening. Participant phenotype was not available at the time of variant classification. Additional details can be found in publication PMID: 35346344, PMCID: PMC8962531

Women's Health and Genetics/Laboratory Corporation of America, LabCorp
Classification: Likely benign. Last evaluated: 2023-05-15. Review status: criteria provided, single submitter. Criteria: LabCorp Variant Classification Summary - May 2015. Collection method: clinical testing. Allele origin: germline.

GeneDx
Classification: Likely benign. Last evaluated: 2021-05-28. Review status: criteria provided, single submitter. Criteria: GeneDx Variant Classification Process June 2021. Collection method: clinical testing. Allele origin: germline. Affected: yes.

Genome Diagnostics Laboratory, The Hospital for Sick Children
Classification: Likely benign for Connective tissue disorder. Last evaluated: 2020-05-01. Review status: criteria provided, single submitter. Criteria: ACMG Guidelines, 2015. Collection method: clinical testing. Allele origin: germline.

Color Diagnostics, LLC DBA Color Health
Classification: Benign for Familial thoracic aortic aneurysm and aortic dissection. Last evaluated: 2018-10-21. Review status: criteria provided, single submitter. Criteria: ACMG Guidelines, 2015. Collection method: clinical testing. Allele origin: germline.

Ambry Genetics
Classification: Likely benign for Familial thoracic aortic aneurysm and aortic dissection. Last evaluated: 2016-05-03. Review status: criteria provided, single submitter. Criteria: Ambry Variant Classification Scheme 2023. Collection method: clinical testing. Allele origin: germline.

PreventionGenetics, part of Exact Sciences
Classification: Likely benign for FBN1-related condition. Last evaluated: 2022-06-22. Review status: no assertion criteria provided. Collection method: clinical testing. Allele origin: germline. Not counted in ClinVar's aggregate classification.
Comment: This variant is classified as likely benign based on ACMG/AMP sequence variant interpretation guidelines (Richards et al. 2015 PMID: 25741868, with internal and published modifications).

NM_000138.5(FBN1):c.1992A>T (p.Gly664=)

Gene: FBN1 (fibrillin 1; minus strand). Cytogenetic location: 15q21.1.
Variant type: single nucleotide variant.
Coding change: c.1992A>T on transcript NM_000138.5 (MANE Select); coding-DNA position 1992, A replaced by T.
Protein change: p.Gly664=; no amino-acid change (glycine 664 retained).
Molecular consequence: synonymous variant.
Genome position (GRCh38, 1-based): chr15:48,503,908, T>A on the plus strand (A>T on the coding strand, the complement: FBN1 is on the minus strand). VCF-style: chr15-48503908-T-A. GRCh37 (hg19) VCF-style: chr15-48796105-T-A.
Identifiers: ClinVar variation 927277 (VCV000927277.23), dbSNP rs183929553, ClinGen allele CA046571.